The following is an entry in ClinVar:

NM_033026.6(PCLO):c.13731G>T (p.Gln4577His)

Gene: PCLO (piccolo presynaptic cytomatrix protein; minus strand). Cytogenetic location: 7q21.11.
Variant type: single nucleotide variant.
Coding change: c.13731G>T on transcript NM_033026.6 (MANE Select); coding-DNA position 13731, G replaced by T.
Protein change: p.Gln4577His; replaces glutamine 4577 with histidine.
Molecular consequence: missense variant.
Genome position (GRCh38, 1-based): chr7:82,847,171, C>A on the plus strand (G>T on the coding strand, the complement: PCLO is on the minus strand). VCF-style: chr7-82847171-C-A. GRCh37 (hg19) VCF-style: chr7-82476487-C-A.
Other names: c.13731G>T, p.Gln4577His (NM_014510.3); short protein forms Q4577H.
Identifiers: ClinVar variation 1961762 (VCV001961762.5), dbSNP rs752377609, ClinGen allele CA4319052.

ClinVar aggregate classification (germline): Uncertain significance (1 of 4 stars; one submission).

Allele frequency attached by ClinVar (database versions not stated): ExAC 0.00001; gnomAD exomes 0.00001.
gnomAD v4.1: 11 of 1,602,210 alleles (0.00069%); highest among the groups gnomAD compares: South Asian, 0.011%; no homozygotes.

Submission:

Labcorp Genetics (formerly Invitae), Labcorp
Classification: Uncertain significance. Last evaluated: 2022-11-25. Review status: criteria provided, single submitter. Criteria: Invitae Variant Classification Sherloc (09022015). Collection method: clinical testing. Allele origin: germline.
Comment: In summary, the available evidence is currently insufficient to determine the role of this variant in disease. Therefore, it has been classified as a Variant of Uncertain Significance. Algorithms developed to predict the effect of missense changes on protein structure and function are either unavailable or do not agree on the potential impact of this missense change (SIFT: "Deleterious"; PolyPhen-2: "Not Available"; Align-GVGD: "Class C0"). This variant has not been reported in the literature in individuals affected with PCLO-related conditions. This variant is present in population databases (rs752377609, gnomAD 0.007%). This sequence change replaces glutamine, which is neutral and polar, with histidine, which is basic and polar, at codon 4577 of the PCLO protein (p.Gln4577His).